The following is an entry in ClinVar:

ClinVar aggregate classification (germline): Uncertain significance (1 of 4 stars; one submission).

gnomAD v4.1: 1 of 1,419,530 alleles (0.00007%); highest among the groups gnomAD compares: Non-Finnish European, 0.000092%; no homozygotes.

Submission:

GeneDx
Classification: Uncertain significance. Last evaluated: 2024-03-12. Review status: criteria provided, single submitter. Criteria: GeneDx Variant Classification Process June 2021. Collection method: clinical testing. Allele origin: germline. Affected: yes.
Comment: Not observed at significant frequency in large population cohorts (gnomAD); In silico analysis supports that this missense variant does not alter protein structure/function; Has not been previously published as pathogenic or benign to our knowledge

NM_001374828.1(ARID1B):c.1157G>T (p.Arg386Leu)

Gene: ARID1B (AT-rich interaction domain 1B; plus strand). Cytogenetic location: 6q25.3.
Variant type: single nucleotide variant.
Coding change: c.1157G>T on transcript NM_001374828.1 (MANE Select); coding-DNA position 1157, G replaced by T.
Protein change: p.Arg386Leu; replaces arginine 386 with leucine.
Molecular consequence: missense variant.
Genome position (GRCh38, 1-based): chr6:156,778,837, G>T. VCF-style: chr6-156778837-G-T. GRCh37 (hg19) VCF-style: chr6-157099971-G-T.
Other names: c.1157G>T, p.Arg386Leu (NM_001371656.1, NM_001374820.1, NM_017519.3); c.908G>T (NM_020732.3); short protein forms R386L.
Identifiers: ClinVar variation 3370729 (VCV003370729.1).